The following is an entry in ClinVar:

ClinVar aggregate classification (germline): Likely benign (1 of 4 stars; one submission).

Allele frequency attached by ClinVar (database versions not stated): ExAC 0.00001; gnomAD exomes below 0.00001.
gnomAD v4.1: 9 of 1,614,094 alleles (0.00056%); highest among the groups gnomAD compares: Non-Finnish European, 0.00076%; no homozygotes.

Submission:

GeneDx
Classification: Likely benign. Last evaluated: 2016-12-14. Review status: criteria provided, single submitter. Criteria: GeneDx Variant Classification (06012015). Collection method: clinical testing. Allele origin: germline. Affected: yes.
Comment: This variant is considered likely benign or benign based on one or more of the following criteria: it is a conservative change, it occurs at a poorly conserved position in the protein, it is predicted to be benign by multiple in silico algorithms, and/or has population frequency not consistent with disease.

NM_000090.4(COL3A1):c.2337+13A>C

Gene: COL3A1 (collagen type III alpha 1 chain; plus strand). Cytogenetic location: 2q32.2.
Variant type: single nucleotide variant.
Coding change: c.2337+13A>C on transcript NM_000090.4 (MANE Select); 13 bases into the intron after coding-DNA position 2337, A replaced by C.
Molecular consequence: intron variant.
Genome position (GRCh38, 1-based): chr2:189,001,463, A>C. VCF-style: chr2-189001463-A-C. GRCh37 (hg19) VCF-style: chr2-189866189-A-C.
Identifiers: ClinVar variation 391643 (VCV000391643.1), dbSNP rs774786064, ClinGen allele CA075206.